The following is an entry in ClinVar:

NM_152383.5(DIS3L2):c.313G>T (p.Ala105Ser)

Gene: DIS3L2 (DIS3 like 3'-5' exoribonuclease 2; plus strand). Cytogenetic location: 2q37.1.
Variant type: single nucleotide variant.
Coding change: c.313G>T on transcript NM_152383.5 (MANE Select); coding-DNA position 313, G replaced by T.
Protein change: p.Ala105Ser; replaces alanine 105 with serine.
Molecular consequence: missense variant. On other transcripts: non-coding transcript variant (2).
Genome position (GRCh38, 1-based): chr2:232,030,027, G>T. VCF-style: chr2-232030027-G-T. GRCh37 (hg19) VCF-style: chr2-232894737-G-T.
Other names: c.313G>T, p.Ala105Ser (NM_001257281.2, NM_001257282.2); short protein forms A105S.
Identifiers: ClinVar variation 1319886 (VCV001319886.8), dbSNP rs1694761855, ClinGen allele CA351152945.

ClinVar aggregate classification (germline): Uncertain significance. Review status: criteria provided, multiple submitters, no conflicts (2 of 4 stars). 2 submissions from 2 submitters: Uncertain significance (2). Last evaluated 2022-08-20.

Conditions:
Perlman syndrome (PRLMNS). Identifiers: Orphanet 2849, MedGen C0796113, MONDO:0009965, OMIM 267000.

Submissions (2):

Labcorp Genetics (formerly Invitae), Labcorp
Classification: Uncertain significance for Perlman syndrome. Last evaluated: 2022-08-20. Review status: criteria provided, single submitter. Criteria: Invitae Variant Classification Sherloc (09022015). Collection method: clinical testing. Allele origin: germline.
Comment: ClinVar contains an entry for this variant (Variation ID: 1319886). Algorithms developed to predict the effect of missense changes on protein structure and function are either unavailable or do not agree on the potential impact of this missense change (SIFT: "Deleterious"; PolyPhen-2: "Probably Damaging"; Align-GVGD: "Class C0"). In summary, the available evidence is currently insufficient to determine the role of this variant in disease. Therefore, it has been classified as a Variant of Uncertain Significance. This variant has not been reported in the literature in individuals affected with DIS3L2-related conditions. This sequence change replaces alanine, which is neutral and non-polar, with serine, which is neutral and polar, at codon 105 of the DIS3L2 protein (p.Ala105Ser). This variant is not present in population databases (gnomAD no frequency).

Institute for Clinical Genetics, University Hospital TU Dresden, University Hospital TU Dresden
Classification: Uncertain significance. Last evaluated: 2021-11-03. Review status: criteria provided, single submitter. Criteria: ACMG Guidelines, 2015. Collection method: clinical testing. Allele origin: germline.